The following is an entry in ClinVar:

NM_007146.3(VEZF1):c.1008GCA[16] (p.Gln354_His355insGlnGlnGln)

Gene: VEZF1 (vascular endothelial zinc finger 1; minus strand). Cytogenetic location: 17q22.
Variant type: Microsatellite.
Coding change: c.1008GCA[16] on transcript NM_007146.3 (MANE Select); 16 copies in a row of the 3-base unit GCA starting at c.1008; the reference has 13 copies in a row; three copies, 9 bases duplicated.
Protein change: p.Gln354_His355insGlnGlnGln.
Genome position (GRCh38, 1-based): chr17:57,979,244-57,979,252, TGCTGCTGC duplicated on the plus strand (GCAGCAGCA on the coding strand, the reverse complement: VEZF1 is on the minus strand); duplicating any 9 consecutive bases within chr17:57,979,244-57,979,283 gives the same sequence; the position shown is the placement nearest the transcript's 3' end. VCF-style (leftmost placement, unchanged base first): chr17-57979243-T-TTGCTGCTGC. GRCh37 (hg19) VCF-style: chr17-56056604-T-TTGCTGCTGC.
Other names: c.981GCA[16], p.Gln345_His346insGlnGlnGln (NM_001330393.2).
Identifiers: ClinVar variation 3033431 (VCV003033431.2), dbSNP rs57786397, ClinGen allele CA626719897.

ClinVar aggregate classification (germline): Likely benign (0 of 4 stars; one submission).

Conditions:
VEZF1-related disorder. Also called: VEZF1-related condition.

Submission:

PreventionGenetics, part of Exact Sciences
Classification: Likely benign for VEZF1-related condition. Last evaluated: 2023-03-23. Review status: no assertion criteria provided. Collection method: clinical testing. Allele origin: germline.
Comment: This variant is classified as likely benign based on ACMG/AMP sequence variant interpretation guidelines (Richards et al. 2015 PMID: 25741868, with internal and published modifications).